The following is an entry in ClinVar:

ClinVar aggregate classification (germline): Uncertain significance (1 of 4 stars; one submission).

gnomAD v4.1: 1 of 1,614,112 alleles (0.000062%); highest among the groups gnomAD compares: African/African-American, 0.0013%; no homozygotes.

Submission:

Labcorp Genetics (formerly Invitae), Labcorp
Classification: Uncertain significance. Last evaluated: 2024-07-02. Review status: criteria provided, single submitter. Criteria: Invitae Variant Classification Sherloc (09022015). Collection method: clinical testing. Allele origin: germline.
Comment: This sequence change replaces tyrosine, which is neutral and polar, with cysteine, which is neutral and slightly polar, at codon 729 of the BACH2 protein (p.Tyr729Cys). This variant is not present in population databases (gnomAD no frequency). This variant has not been reported in the literature in individuals affected with BACH2-related conditions. Advanced modeling of protein sequence and biophysical properties (such as structural, functional, and spatial information, amino acid conservation, physicochemical variation, residue mobility, and thermodynamic stability) performed at Invitae indicates that this missense variant is not expected to disrupt BACH2 protein function with a negative predictive value of 80%. In summary, the available evidence is currently insufficient to determine the role of this variant in disease. Therefore, it has been classified as a Variant of Uncertain Significance.

NM_021813.4(BACH2):c.2186A>G (p.Tyr729Cys)

Gene: BACH2 (BACH transcriptional regulator 2; minus strand). Cytogenetic location: 6q15.
Variant type: single nucleotide variant.
Coding change: c.2186A>G on transcript NM_021813.4 (MANE Select); coding-DNA position 2186, A replaced by G.
Protein change: p.Tyr729Cys; replaces tyrosine 729 with cysteine.
Molecular consequence: missense variant.
Genome position (GRCh38, 1-based): chr6:89,932,748, T>C on the plus strand (A>G on the coding strand, the complement: BACH2 is on the minus strand). VCF-style: chr6-89932748-T-C. GRCh37 (hg19) VCF-style: chr6-90642467-T-C.
Other names: c.2186A>G, p.Tyr729Cys (NM_001170794.2); short protein forms Y729C.
Identifiers: ClinVar variation 3658544 (VCV003658544.2).